The following is an entry in ClinVar:

NM_201253.3(CRB1):c.523G>A (p.Val175Ile)

Gene: CRB1 (crumbs cell polarity complex component 1; plus strand). Cytogenetic location: 1q31.3.
Variant type: single nucleotide variant.
Coding change: c.523G>A on transcript NM_201253.3 (MANE Select); coding-DNA position 523, G replaced by A.
Protein change: p.Val175Ile; replaces valine 175 with isoleucine.
Molecular consequence: missense variant. On other transcripts: non-coding transcript variant (2).
Genome position (GRCh38, 1-based): chr1:197,328,874, G>A. VCF-style: chr1-197328874-G-A. GRCh37 (hg19) VCF-style: chr1-197298004-G-A.
Other names: c.523G>A, p.Val175Ile (NM_001193640.2, NM_001257966.2); c.316G>A, p.Val106Ile (NM_001257965.2); short protein forms V106I, V175I.
Identifiers: ClinVar variation 930439 (VCV000930439.3), dbSNP rs1166808508, ClinGen allele CA344085958.

ClinVar aggregate classification (germline): Uncertain significance (1 of 4 stars; one submission).

Conditions:
Pigmented paravenous retinochoroidal atrophy. Identifiers: Orphanet 251295, MedGen C1868310, MONDO:0008246, OMIM 172870.

Allele frequency attached by ClinVar (database versions not stated): gnomAD exomes below 0.00001.
gnomAD v4.1: 2 of 1,614,168 alleles (0.00012%); highest among the groups gnomAD compares: Non-Finnish European, 0.00017%; no homozygotes.

Submission:

Centre for Mendelian Genomics, University Medical Centre Ljubljana
Classification: Uncertain significance for Pigmented paravenous retinochoroidal atrophy. Last evaluated: 2019-03-04. Review status: criteria provided, single submitter. Criteria: ACMG Guidelines, 2015. Collection method: clinical testing. Allele origin: unknown. Affected: yes.
Comment: This variant was classified as: Uncertain significance. The following ACMG criteria were applied in classifying this variant: PM2,PP2,PP3.